The following is an entry in ClinVar:

ClinVar aggregate classification (germline): Uncertain significance. Review status: criteria provided, multiple submitters, no conflicts (2 of 4 stars). 3 submissions from 3 submitters: Uncertain significance (3). Last evaluated 2025-02-25.

Conditions:
Inborn genetic diseases. Identifiers: MedGen C0950123, MeSH D030342.

Allele frequency attached by ClinVar (database versions not stated): TOPMed 0.00002; gnomAD 0.00001.
gnomAD v4.1: 28 of 1,613,856 alleles (0.0017%); highest among the groups gnomAD compares: South Asian, 0.0022%; no homozygotes.

Submissions (3):

Ambry Genetics
Classification: Uncertain significance for Inborn genetic diseases. Last evaluated: 2025-02-25. Review status: criteria provided, single submitter. Criteria: Ambry Variant Classification Scheme 2023. Collection method: clinical testing. Allele origin: germline.

Labcorp Genetics (formerly Invitae), Labcorp
Classification: Uncertain significance. Last evaluated: 2022-09-27. Review status: criteria provided, single submitter. Criteria: Invitae Variant Classification Sherloc (09022015). Collection method: clinical testing. Allele origin: germline.
Comment: This sequence change replaces aspartic acid, which is acidic and polar, with asparagine, which is neutral and polar, at codon 2393 of the MYO18B protein (p.Asp2393Asn). This variant is present in population databases (rs751707031, gnomAD 0.003%). This variant has not been reported in the literature in individuals affected with MYO18B-related conditions. ClinVar contains an entry for this variant (Variation ID: 1488727). Algorithms developed to predict the effect of missense changes on protein structure and function are either unavailable or do not agree on the potential impact of this missense change (SIFT: "Not Available"; PolyPhen-2: "Possibly Damaging"; Align-GVGD: "Not Available"). In summary, the available evidence is currently insufficient to determine the role of this variant in disease. Therefore, it has been classified as a Variant of Uncertain Significance.

Breakthrough Genomics
Classification: Uncertain significance. Review status: criteria provided, single submitter. Criteria: ACMG Guidelines, 2015. Collection method: not provided. Allele origin: germline. Inheritance: Autosomal dominant inheritance. Affected: yes.

NM_032608.7(MYO18B):c.7177G>A (p.Asp2393Asn)

Gene: MYO18B (myosin XVIIIB; plus strand). Cytogenetic location: 22q12.1.
Variant type: single nucleotide variant.
Coding change: c.7177G>A on transcript NM_032608.7 (MANE Select); coding-DNA position 7177, G replaced by A.
Protein change: p.Asp2393Asn; replaces aspartic acid 2393 with asparagine.
Molecular consequence: missense variant.
Genome position (GRCh38, 1-based): chr22:26,027,151, G>A. VCF-style: chr22-26027151-G-A. GRCh37 (hg19) VCF-style: chr22-26423117-G-A.
Other names: c.7180G>A, p.Asp2394Asn (NM_001318245.2); c.7177G>A (NM_032608.5); short protein forms D2393N, D2394N.
Identifiers: ClinVar variation 1488727 (VCV001488727.5), dbSNP rs751707031, ClinGen allele CA10161713.